The following is an entry in ClinVar:

ClinVar aggregate classification (germline): Uncertain significance (1 of 4 stars; one submission).

Submission:

Labcorp Genetics (formerly Invitae), Labcorp
Classification: Uncertain significance. Last evaluated: 2022-06-10. Review status: criteria provided, single submitter. Criteria: Invitae Variant Classification Sherloc (09022015). Collection method: clinical testing. Allele origin: germline.
Comment: In summary, the available evidence is currently insufficient to determine the role of this variant in disease. Therefore, it has been classified as a Variant of Uncertain Significance. Algorithms developed to predict the effect of missense changes on protein structure and function are either unavailable or do not agree on the potential impact of this missense change (SIFT: "Deleterious"; PolyPhen-2: "Probably Damaging"; Align-GVGD: "Class C15"). This variant has not been reported in the literature in individuals affected with AP2M1-related conditions. This variant is not present in population databases (gnomAD no frequency). This sequence change replaces proline, which is neutral and non-polar, with arginine, which is basic and polar, at codon 121 of the AP2M1 protein (p.Pro121Arg).

NM_004068.4(AP2M1):c.362C>G (p.Pro121Arg)

Gene: AP2M1 (adaptor related protein complex 2 subunit mu 1; plus strand). Cytogenetic location: 3q27.1.
Variant type: single nucleotide variant.
Coding change: c.362C>G on transcript NM_004068.4 (MANE Select); coding-DNA position 362, C replaced by G.
Protein change: p.Pro121Arg; replaces proline 121 with arginine.
Molecular consequence: missense variant.
Genome position (GRCh38, 1-based): chr3:184,180,190, C>G. VCF-style: chr3-184180190-C-G. GRCh37 (hg19) VCF-style: chr3-183897978-C-G.
Other names: c.362C>G, p.Pro121Arg (NM_001025205.2); c.437C>G, p.Pro146Arg (NM_001311198.2); short protein forms P121R, P146R.
Identifiers: ClinVar variation 2004606 (VCV002004606.4), dbSNP rs2473721911, ClinGen allele CA355422813.